The following is an entry in ClinVar:

NM_000254.3(MTR):c.*153A>G

Gene: MTR (5-methyltetrahydrofolate-homocysteine methyltransferase; plus strand). Cytogenetic location: 1q43.
Variant type: single nucleotide variant.
Coding change: c.*153A>G on transcript NM_000254.3 (MANE Select); 153 bases downstream of the stop codon, A replaced by G.
Molecular consequence: 3 prime UTR variant.
Genome position (GRCh38, 1-based): chr1:236,897,797, A>G. VCF-style: chr1-236897797-A-G. GRCh37 (hg19) VCF-style: chr1-237061097-A-G.
Other names: c.*153A>G (NM_001291939.1, NM_001291940.2).
Identifiers: ClinVar variation 296588 (VCV000296588.9), dbSNP rs11799670, ClinGen allele CA10609474.

ClinVar aggregate classification (germline): Benign. Review status: criteria provided, multiple submitters, no conflicts (2 of 4 stars). 3 submissions from 3 submitters: Benign (3). Last evaluated 2019-07-05.

Conditions:
Disorders of Intracellular Cobalamin Metabolism. Identifiers: MedGen CN043592.

Allele frequency attached by ClinVar (database versions not stated): gnomAD exomes 0.03672; gnomAD 0.07653 and 0.07678; TOPMed 0.08326; 1000 Genomes Project 0.11302; 1000 Genomes Project 30x 0.11462.
gnomAD v4.1: 32,044 of 702,588 alleles (4.6%); highest among the groups gnomAD compares: African/African-American, 20%; 1,960 homozygotes.

Submissions (3):

GeneDx
Classification: Benign. Last evaluated: 2019-07-05. Review status: criteria provided, single submitter. Criteria: GeneDx Variant Classification Process June 2021. Collection method: clinical testing. Allele origin: germline. Affected: yes.

Illumina Laboratory Services, Illumina
Classification: Benign for Disorders of Intracellular Cobalamin Metabolism. Last evaluated: 2018-01-12. Review status: criteria provided, single submitter. Criteria: ICSL Variant Classification Criteria 13 December 2019. Collection method: clinical testing. Allele origin: germline.
Comment: This variant was observed in the ICSL laboratory as part of a predisposition screen in an ostensibly healthy population. It had not been previously curated by ICSL or reported in the Human Gene Mutation Database (HGMD: prior to June 1st, 2018), and was therefore a candidate for classification through an automated scoring system. Utilizing variant allele frequency, disease prevalence and penetrance estimates, and inheritance mode, an automated score was calculated to assess if this variant is too frequent to cause the disease. Based on the score and internal cut-off values, a variant classified as benign is not then subjected to further curation. The score for this variant resulted in a classification of benign for this disease.

Breakthrough Genomics
Classification: Benign. Review status: criteria provided, single submitter. Criteria: ACMG Guidelines, 2015. Collection method: not provided. Allele origin: germline. Inheritance: Autosomal recessive inheritance. Affected: yes.